The following is an entry in ClinVar:

ClinVar aggregate classification (germline): Uncertain significance. Review status: criteria provided, multiple submitters, no conflicts (2 of 4 stars). 3 submissions from 3 submitters: Uncertain significance (3). Last evaluated 2024-11-19.

Conditions:
Immunoglobulin-mediated membranoproliferative glomerulonephritis. Also called: NEPHROTIC SYNDROME, TYPE 7, WITH MEMBRANOPROLIFERATIVE GLOMERULONEPHRITIS; Nephrotic syndrome, type 7. Identifiers: Orphanet 329903, MedGen C3554330, MONDO:0014005, OMIM 615008.

Allele frequency attached by ClinVar (database versions not stated): gnomAD exomes 0.00003; gnomAD 0.00006; TOPMed 0.00006; ExAC 0.00007; ESP Exome Variant Server 0.00015.
gnomAD v4.1: 58 of 1,603,222 alleles (0.0036%); highest among the groups gnomAD compares: African/African-American, 0.0013%; no homozygotes.

Submissions (3):

Women's Health and Genetics/Laboratory Corporation of America, LabCorp
Classification: Uncertain significance. Last evaluated: 2024-11-19. Review status: criteria provided, single submitter. Criteria: LabCorp Variant Classification Summary - May 2015. Collection method: clinical testing. Allele origin: germline.
Comment: Variant summary: DGKE c.626T>C (p.Leu209Pro) results in a non-conservative amino acid change in the encoded protein sequence. Four of five in-silico tools predict a damaging effect of the variant on protein function. Several computational tools predict a significant impact on normal splicing: Three predict the variant weakens a 5' donor site. One predict the variant no significant impact on splicing. However, these predictions have yet to be confirmed by functional studies. The variant allele was found at a frequency of 7.9e-05 in 239834 control chromosomes. This frequency is not significantly higher than estimated for a pathogenic variant in DGKE causing Nephrotic Syndrome, Type 7 (7.9e-05 vs 0.0011), allowing no conclusion about variant significance. To our knowledge, no occurrence of c.626T>C in individuals affected with Nephrotic Syndrome, Type 7 and no experimental evidence demonstrating its impact on protein function have been reported. ClinVar contains an entry for this variant (Variation ID: 2416439). Based on the evidence outlined above, the variant was classified as uncertain significance.

Revvity Omics, Revvity
Classification: Uncertain significance for Immunoglobulin-mediated membranoproliferative glomerulonephritis. Last evaluated: 2022-10-30. Review status: criteria provided, single submitter. Criteria: ACMG Guidelines, 2015. Collection method: clinical testing. Allele origin: germline.

Labcorp Genetics (formerly Invitae), Labcorp
Classification: Uncertain significance. Last evaluated: 2022-05-16. Review status: criteria provided, single submitter. Criteria: Invitae Variant Classification Sherloc (09022015). Collection method: clinical testing. Allele origin: germline.
Comment: This sequence change replaces leucine, which is neutral and non-polar, with proline, which is neutral and non-polar, at codon 209 of the DGKE protein (p.Leu209Pro). This variant is present in population databases (rs200253169, gnomAD 0.2%). This variant has not been reported in the literature in individuals affected with DGKE-related conditions. Algorithms developed to predict the effect of missense changes on protein structure and function are either unavailable or do not agree on the potential impact of this missense change (SIFT: "Deleterious"; PolyPhen-2: "Probably Damaging"; Align-GVGD: "Class C0"). In summary, the available evidence is currently insufficient to determine the role of this variant in disease. Therefore, it has been classified as a Variant of Uncertain Significance.

NM_003647.3(DGKE):c.626T>C (p.Leu209Pro)

Gene: DGKE (diacylglycerol kinase epsilon; plus strand). Cytogenetic location: 17q22.
Variant type: single nucleotide variant.
Coding change: c.626T>C on transcript NM_003647.3 (MANE Select); coding-DNA position 626, T replaced by C.
Protein change: p.Leu209Pro; replaces leucine 209 with proline.
Molecular consequence: missense variant.
Genome position (GRCh38, 1-based): chr17:56,845,691, T>C. VCF-style: chr17-56845691-T-C. GRCh37 (hg19) VCF-style: chr17-54923052-T-C.
Other names: short protein forms L209P.
Identifiers: ClinVar variation 2416439 (VCV002416439.8), dbSNP rs200253169, ClinGen allele CA8663566.
Genomic context (GRCh38, chr17:56,845,691, plus strand): 5'-AAAATGTGCTTTTCATCTTTAAGATACTAAACCTTTTCACTCATGGCAATTTTTTTTAGC[T>C]AGCCTCTAAGCTTGGAAAGCAGTGGACCCCATTAATAATCCTGGCCAACTCTCGTAGTGG-3'
Protein context (NP_003638.1, residues 199-219): RKDKKTDYEV[Leu209Pro]ASKLGKQWTP